The following is an entry in ClinVar:

NM_001302998.2(LIPI):c.1087C>T (p.Leu363Phe)

Gene: LIPI (lipase I; minus strand). Cytogenetic location: 21q11.2.
Variant type: single nucleotide variant.
Coding change: c.1087C>T on transcript NM_001302998.2 (MANE Select); coding-DNA position 1087, C replaced by T.
Protein change: p.Leu363Phe; replaces leucine 363 with phenylalanine.
Molecular consequence: missense variant. On other transcripts: intron variant (1).
Genome position (GRCh38, 1-based): chr21:14,152,604, G>A on the plus strand (C>T on the coding strand, the complement: LIPI is on the minus strand). VCF-style: chr21-14152604-G-A. GRCh37 (hg19) VCF-style: chr21-15524925-G-A.
Other names: c.1150C>T (NM_198996.2); c.997C>T, p.Leu333Phe (NM_001302999.2); c.1069C>T, p.Leu357Phe (NM_001303000.2); c.982C>T, p.Leu328Phe (NM_001379565.1); c.592C>T, p.Leu198Phe (NM_001379566.1); c.952C>T, p.Leu318Phe (NM_198996.4); c.1006+10815C>T (NM_001303001.2); short protein forms L198F, L363F, L318F, L328F, L357F, L333F.
Identifiers: ClinVar variation 3710017 (VCV003710017.3).

ClinVar aggregate classification (germline): Uncertain significance. Review status: criteria provided, multiple submitters, no conflicts (2 of 4 stars). 2 submissions from 2 submitters: Uncertain significance (2). Last evaluated 2025-10-13.

gnomAD v4.1: 23 of 1,584,266 alleles (0.0015%); highest among the groups gnomAD compares: Non-Finnish European, 0.0017%; no homozygotes.

Submissions (2):

Labcorp Genetics (formerly Invitae), Labcorp
Classification: Uncertain significance. Last evaluated: 2025-10-13. Review status: criteria provided, single submitter. Criteria: Invitae Variant Classification Sherloc (09022015). Collection method: clinical testing. Allele origin: germline.
Comment: This sequence change replaces leucine, which is neutral and non-polar, with phenylalanine, which is neutral and non-polar, at codon 384 of the LIPI protein (p.Leu384Phe). This variant is present in population databases (rs764811231, gnomAD 0.0009%). This variant has not been reported in the literature in individuals affected with LIPI-related conditions. ClinVar contains an entry for this variant (Variation ID: 3710017). An algorithm developed to predict the effect of missense changes on protein structure and function outputs the following: PolyPhen-2: "Benign". The phenylalanine amino acid residue is found in multiple mammalian species, which suggests that this missense change does not adversely affect protein function. In summary, the available evidence is currently insufficient to determine the role of this variant in disease. Therefore, it has been classified as a Variant of Uncertain Significance.

Ambry Genetics
Classification: Uncertain significance. Last evaluated: 2025-01-31. Review status: criteria provided, single submitter. Criteria: Ambry Variant Classification Scheme 2023. Collection method: clinical testing. Allele origin: germline.